The following is an entry in ClinVar:

ClinVar aggregate classification (germline): Pathogenic/Likely pathogenic. Review status: criteria provided, multiple submitters, no conflicts (2 of 4 stars). 3 submissions from 3 submitters: Pathogenic (1); Likely pathogenic (2). Last evaluated 2025-05-11.

Conditions:
ERCC2-related disorder. Also called: ERCC2-related conditions; ERCC2-related condition; ERCC2-related disorders. Identifiers: MedGen CN239291.
Cerebrooculofacioskeletal syndrome 2 (COFS2). Identifiers: MedGen C1853102, MONDO:0012553, OMIM 610756.

Submissions (3):

Labcorp Genetics (formerly Invitae), Labcorp
Classification: Pathogenic. Last evaluated: 2025-05-11. Review status: criteria provided, single submitter. Criteria: Invitae Variant Classification Sherloc (09022015). Collection method: clinical testing. Allele origin: germline.
Comment: This variant results in the deletion of part of exon 4 (c.1347_1377+7del) of the ERCC2 gene. It is expected to disrupt RNA splicing. Variants that disrupt the donor or acceptor splice site typically lead to a loss of protein function (PMID: 16199547), and loss-of-function variants in ERCC2 are known to be pathogenic (PMID: 9238033, 11335038, 19085937, 19934020). The frequency data for this variant in the population databases is considered unreliable, as metrics indicate poor data quality at this position in the gnomAD database. This variant has not been reported in the literature in individuals affected with ERCC2-related conditions. ClinVar contains an entry for this variant (Variation ID: 2675068). This variant disrupts a region of the ERCC2 protein in which other variant(s) (p.Ile456del) have been determined to be pathogenic (PMID: 19934020). This suggests that this is a clinically significant region of the protein, and that variants that disrupt it are likely to be disease-causing. For these reasons, this variant has been classified as Pathogenic.

Baylor Genetics
Classification: Likely pathogenic for Cerebrooculofacioskeletal syndrome 2. Last evaluated: 2022-06-24. Review status: criteria provided, single submitter. Criteria: ACMG Guidelines, 2015. Collection method: clinical testing. Allele origin: unknown.

Blueprint Genetics
Classification: Likely pathogenic for ERCC2-related disorders. Last evaluated: 2022-06-23. Review status: criteria provided, single submitter. Criteria: ACMG Guidelines, 2015. Collection method: clinical testing. Allele origin: germline. Affected: yes. Observed: 2 variant alleles.

Literature cited by the submitters: PubMed 16199547 (cited by Labcorp Genetics (formerly Invitae), Labcorp); PubMed 9238033 (cited by Labcorp Genetics (formerly Invitae), Labcorp); PubMed 11335038 (cited by Labcorp Genetics (formerly Invitae), Labcorp); PubMed 19085937 (cited by Labcorp Genetics (formerly Invitae), Labcorp); PubMed 19934020 (cited by Labcorp Genetics (formerly Invitae), Labcorp).

NM_000400.4(ERCC2):c.1347_1377+7del

Gene: ERCC2 (ERCC excision repair 2, TFIIH core complex helicase subunit; minus strand). Cytogenetic location: 19q13.32.
Variant type: Deletion.
Coding change: c.1347_1377+7del on transcript NM_000400.4 (MANE Select); coding-DNA position 1347 through 7 bases into the intron after coding-DNA position 1377, 38 bases deleted.
Molecular consequence: splice donor variant.
Genome position (GRCh38, 1-based): chr19:45,357,467-45,357,504, 38 bases deleted; deleting any 38 consecutive bases within chr19:45,357,467-45,357,506 gives the same sequence; the c. name uses the placement nearest the transcript's 3' end. GRCh37 (hg19): chr19:45,860,727-45,860,764.
Identifiers: ClinVar variation 2675068 (VCV002675068.3), dbSNP rs1222622590, ClinGen allele CA633480528.